The following is an entry in ClinVar:

NM_182476.3(COQ6):c.8C>A (p.Ala3Asp)

Gene: COQ6 (coenzyme Q6, monooxygenase; plus strand). Cytogenetic location: 14q24.3.
Variant type: single nucleotide variant.
Coding change: c.8C>A on transcript NM_182476.3 (MANE Select); coding-DNA position 8, C replaced by A.
Protein change: p.Ala3Asp; replaces alanine 3 with aspartic acid.
Molecular consequence: missense variant. On other transcripts: 5 prime UTR variant (5), intron variant (4).
Genome position (GRCh38, 1-based): chr14:73,950,340, C>A. VCF-style: chr14-73950340-C-A. GRCh37 (hg19) VCF-style: chr14-74417043-C-A.
Other names: c.8C>A, p.Ala3Asp (NM_001425255.1, NM_001425256.1, NM_001425262.1); c.-99C>A (NM_001425257.1); c.-261C>A (NM_001425260.1); c.-422C>A (NM_001425263.1); c.-343C>A (NM_001425264.1); c.-402C>A (NM_001425265.1); c.88+160C>A (NM_001425258.1, NM_182480.3); c.-4+160C>A (NM_001425259.1, NM_001425261.1); short protein forms A3D.
Identifiers: ClinVar variation 4532532 (VCV004532532.1).

ClinVar aggregate classification (germline): Uncertain significance (1 of 4 stars; one submission).

gnomAD v4.1: 4 of 1,551,358 alleles (0.00026%); highest among the groups gnomAD compares: Non-Finnish European, 0.00035%; no homozygotes.

Submission:

GeneDx
Classification: Uncertain significance. Last evaluated: 2025-05-29. Review status: criteria provided, single submitter. Criteria: GeneDx Variant Classification Process June 2021. Collection method: clinical testing. Allele origin: germline. Affected: yes.
Comment: Not observed at significant frequency in large population cohorts (gnomAD); In silico analysis suggests that this missense variant does not alter protein structure/function; Has not been previously published as pathogenic or benign to our knowledge